The following is an entry in ClinVar:

NM_000256.3(MYBPC3):c.773-1G>C

Gene: MYBPC3 (myosin binding protein C3; minus strand). Cytogenetic location: 11p11.2.
Variant type: single nucleotide variant.
Coding change: c.773-1G>C on transcript NM_000256.3 (MANE Select); the canonical splice acceptor site of the intron before coding-DNA position 773, G replaced by C.
Molecular consequence: splice acceptor variant.
Genome position (GRCh38, 1-based): chr11:47,347,906, C>G on the plus strand (G>C on the coding strand, the complement: MYBPC3 is on the minus strand). VCF-style: chr11-47347906-C-G. GRCh37 (hg19) VCF-style: chr11-47369457-C-G.
Identifiers: ClinVar variation 1690368 (VCV001690368.2), dbSNP rs2142865708, ClinGen allele CA380334005.

ClinVar aggregate classification (germline): Likely pathogenic. Review status: criteria provided, multiple submitters, no conflicts (2 of 4 stars). 2 submissions from 2 submitters: Likely pathogenic (2). Last evaluated 2022-08-24.

Conditions:
Hypertrophic cardiomyopathy 4. Also called: Familial hypertrophic cardiomyopathy 4. Identifiers: MedGen C1861862, MONDO:0007268, OMIM 115197.

Allele frequency attached by ClinVar (database versions not stated): gnomAD exomes below 0.00001.
gnomAD v4.1: 4 of 1,573,142 alleles (0.00025%); highest among the groups gnomAD compares: Non-Finnish European, 0.00034%; no homozygotes.

Submissions (2):

Clinical Genetics Laboratory, Skane University Hospital Lund
Classification: Likely pathogenic. Last evaluated: 2022-08-24. Review status: criteria provided, single submitter. Criteria: ACMG Guidelines, 2015. Collection method: clinical testing. Allele origin: germline. Affected: yes.

Clinical Genetics Laboratory, Region Ostergotland
Classification: Likely pathogenic for Hypertrophic cardiomyopathy 4. Last evaluated: 2021-04-13. Review status: criteria provided, single submitter. Criteria: ACMG Guidelines, 2015. Collection method: clinical testing. Allele origin: germline. Affected: yes.
Comment: PVS1, PM2